The following is an entry in ClinVar:

NM_144997.7(FLCN):c.1432+5G>C

Gene: FLCN (folliculin; minus strand). Cytogenetic location: 17p11.2.
Variant type: single nucleotide variant.
Coding change: c.1432+5G>C on transcript NM_144997.7 (MANE Select); 5 bases into the intron after coding-DNA position 1432, G replaced by C.
Molecular consequence: intron variant.
Genome position (GRCh38, 1-based): chr17:17,215,180, C>G on the plus strand (G>C on the coding strand, the complement: FLCN is on the minus strand). VCF-style: chr17-17215180-C-G. GRCh37 (hg19) VCF-style: chr17-17118494-C-G.
Other names: c.1432+5G>C (LRG_325t1, NM_001353231.2, NM_001353230.2 and 1 more transcripts); c.1486+5G>C (NM_001353229.2).
Identifiers: ClinVar variation 186735 (VCV000186735.16), dbSNP rs786203179, ClinGen allele CA195700.
Genomic context (GRCh38, chr17:17,215,180, plus strand): 5'-GCAGGCGTTAGCGCGGGGCGGGGGCATCTTCTCACAAAAAGGACACTCTGCCTGGGGGCA[C>G]CCACCTCGGTCTGCAGCTACAGGGCTCCCACTGGTCACCACAAACTCGTACTTGCTGAGA-3'

ClinVar aggregate classification (germline): Uncertain significance. Review status: criteria provided, multiple submitters, no conflicts (2 of 4 stars). 4 submissions from 4 submitters: Uncertain significance (4). Last evaluated 2025-06-02.

Conditions:
Nonpapillary renal cell carcinoma. Identifiers: Orphanet 422526, MedGen CN074294, MONDO:0007763, OMIM 144700.
Colorectal cancer. Also called: Malignant Colorectal Neoplasm; Colorectal cancer, somatic. Identifiers: MedGen C0346629, MONDO:0005575, OMIM 114500.
Familial spontaneous pneumothorax (PSP). Identifiers: Orphanet 2903, MedGen C1868193, MONDO:0008259, OMIM 173600.
Birt-Hogg-Dube syndrome 1 (BHD1). Also called: FIBROFOLLICULOMAS WITH TRICHODISCOMAS AND ACROCHORDONS. Identifiers: Orphanet 122, MedGen CN375946, MONDO:0800445, OMIM 135150.
Hereditary cancer-predisposing syndrome. Also called: Hereditary Cancer Syndrome; Neoplastic Syndromes, Hereditary; Tumor predisposition; Hereditary neoplastic syndrome. Identifiers: Orphanet 140162, MedGen C0027672, MeSH D009386, MONDO:0015356.
Birt-Hogg-Dube syndrome. Also called: Birt Hogg Dubé syndrome. Identifiers: Orphanet 122, MedGen C0346010, MONDO:0800444.

Allele frequency attached by ClinVar (database versions not stated): TOPMed 0.00001.

Submissions (4):

Ambry Genetics
Classification: Uncertain significance for Hereditary cancer-predisposing syndrome. Last evaluated: 2025-06-02. Review status: criteria provided, single submitter. Criteria: Ambry Variant Classification Scheme 2023. Collection method: clinical testing. Allele origin: germline.
Comment: The c.1432+5G>C intronic variant results from a G to C substitution 5 nucleotides after coding exon 9 in the FLCN gene. This nucleotide position is highly conserved in available vertebrate species. In silico splice site analysis predicts that this alteration will weaken the native splice donor site,. RNA studies have demonstrated that this alteration results in a splice defect; the clinical impact of this abnormal splicing is unknown at this time (Ambry internal data). Since supporting evidence is limited at this time, the clinical significance of this alteration remains unclear.

Quest Diagnostics Nichols Institute San Juan Capistrano
Classification: Uncertain significance. Last evaluated: 2025-02-05. Review status: criteria provided, single submitter. Criteria: Quest Diagnostics criteria. Collection method: clinical testing. Allele origin: unknown.
Comment: The FLCN c.1432+5G>C variant has not been reported in individuals with FLCN-related conditions in the published literature. It also has not been reported in large, multi-ethnic general populations (Genome Aggregation Database). Analysis of this variant using software algorithms for the prediction of the effect of nucleotide changes on splicing yielded predictions that this variant may affect proper FLCN mRNA splicing. Based on the available information, we are unable to determine the clinical significance of this variant.

Labcorp Genetics (formerly Invitae), Labcorp
Classification: Uncertain significance for Birt-Hogg-Dube syndrome. Last evaluated: 2024-06-11. Review status: criteria provided, single submitter. Criteria: Invitae Variant Classification Sherloc (09022015). Collection method: clinical testing. Allele origin: germline.
Comment: This sequence change falls in intron 12 of the FLCN gene. It does not directly change the encoded amino acid sequence of the FLCN protein. It affects a nucleotide within the consensus splice site. This variant is not present in population databases (gnomAD no frequency). This variant has not been reported in the literature in individuals affected with FLCN-related conditions. ClinVar contains an entry for this variant (Variation ID: 186735). Variants that disrupt the consensus splice site are a relatively common cause of aberrant splicing (PMID: 17576681, 9536098). Algorithms developed to predict the effect of sequence changes on RNA splicing suggest that this variant may disrupt the consensus splice site. In summary, the available evidence is currently insufficient to determine the role of this variant in disease. Therefore, it has been classified as a Variant of Uncertain Significance.

Fulgent Genetics
Classification: Uncertain significance for Colorectal cancer; Birt-Hogg-Dube syndrome 1; Nonpapillary renal cell carcinoma; Familial spontaneous pneumothorax. Last evaluated: 2024-01-31. Review status: criteria provided, single submitter. Criteria: ACMG Guidelines, 2015. Collection method: clinical testing. Allele origin: germline.

Literature cited by the submitters: PubMed 17576681 (cited by Labcorp Genetics (formerly Invitae), Labcorp); PubMed 9536098 (cited by Labcorp Genetics (formerly Invitae), Labcorp).